The following is an entry in ClinVar:

ClinVar aggregate classification (germline): Uncertain significance (1 of 4 stars; one submission).

Submission:

Labcorp Genetics (formerly Invitae), Labcorp
Classification: Uncertain significance. Last evaluated: 2020-10-08. Review status: criteria provided, single submitter. Criteria: Invitae Variant Classification Sherloc (09022015). Collection method: clinical testing. Allele origin: germline.
Comment: Experimental studies and prediction algorithms are not available or were not evaluated, and the functional significance of this variant is currently unknown. In summary, the available evidence is currently insufficient to determine the role of this variant in disease. Therefore, it has been classified as a Variant of Uncertain Significance. This variant has not been reported in the literature in individuals with MSH3-related conditions. This variant is a gross deletion of the genomic region encompassing exon(s) 19-24 of the MSH3 gene. The 5' boundary is likely confined to intron 18. The 3' end of this event is unknown as it extends through the termination codon beyond the assayed region for this gene and may encompass additional genes. While this deletion is not anticipated to result in nonsense mediated decay, it is expected to create a truncated protein product or disrupt mRNA translation.

NC_000005.9:g.(?_80088542)_(80171681_?)del

Gene: MSH3 (mutS homolog 3; plus strand). Cytogenetic location: 5q14.1.
Variant type: Deletion.
Identifiers: ClinVar variation 1015050 (VCV001015050.5).